The following is an entry in ClinVar:

ClinVar aggregate classification (germline): Uncertain significance. Review status: criteria provided, multiple submitters, no conflicts (2 of 4 stars). 2 submissions from 2 submitters: Uncertain significance (2). Last evaluated 2025-01-08.

gnomAD v4.1: 4 of 1,524,526 alleles (0.00026%); highest among the groups gnomAD compares: Non-Finnish European, 0.00027%; no homozygotes.

Submissions (2):

Labcorp Genetics (formerly Invitae), Labcorp
Classification: Uncertain significance. Last evaluated: 2025-01-08. Review status: criteria provided, single submitter. Criteria: Invitae Variant Classification Sherloc (09022015). Collection method: clinical testing. Allele origin: germline.
Comment: This sequence change replaces valine, which is neutral and non-polar, with leucine, which is neutral and non-polar, at codon 539 of the PDE6B protein (p.Val539Leu). This variant is not present in population databases (gnomAD no frequency). This variant has not been reported in the literature in individuals affected with PDE6B-related conditions. An algorithm developed to predict the effect of missense changes on protein structure and function (PolyPhen-2) suggests that this variant is likely to be tolerated. Algorithms developed to predict the effect of sequence changes on RNA splicing suggest that this variant may disrupt the consensus splice site. In summary, the available evidence is currently insufficient to determine the role of this variant in disease. Therefore, it has been classified as a Variant of Uncertain Significance.

Blueprint Genetics
Classification: Uncertain significance. Last evaluated: 2024-11-13. Review status: criteria provided, single submitter. Criteria: ACMG Guidelines, 2015. Collection method: clinical testing. Allele origin: germline.

NM_000283.4(PDE6B):c.1615G>C (p.Val539Leu)

Gene: PDE6B (phosphodiesterase 6B; plus strand). Cytogenetic location: 4p16.3.
Variant type: single nucleotide variant.
Coding change: c.1615G>C on transcript NM_000283.4 (MANE Select); coding-DNA position 1615, G replaced by C.
Protein change: p.Val539Leu; replaces valine 539 with leucine.
Molecular consequence: missense variant.
Genome position (GRCh38, 1-based): chr4:662,134, G>C. VCF-style: chr4-662134-G-C. GRCh37 (hg19) VCF-style: chr4-655923-G-C.
Other names: c.1615G>C, p.Val539Leu (NM_001145291.2); c.778G>C, p.Val260Leu (NM_001145292.2, NM_001350154.3, NM_001379246.1 and 1 more transcripts); c.460G>C, p.Val154Leu (NM_001350155.3); short protein forms V154L, V260L, V539L.
Identifiers: ClinVar variation 3604823 (VCV003604823.3).
Genomic context (GRCh38, chr4:662,134, plus strand): 5'-CCGCTCTGGCGGGACTTACACGCTTGCCGCCGGAGCCCTGTGTCCTCTCGGCTCCCCCAG[G>C]TCCTGGTGCGGTTCCTGTTCTCCATCAGCAAAGGGTACCGGAGAATCACCTACCACAACT-3'
Protein context (NP_000274.3, residues 529-549): VVRKFQIPQE[Val539Leu]LVRFLFSISK